The following is an entry in ClinVar:

ClinVar aggregate classification (germline): Uncertain significance (1 of 4 stars; one submission).

gnomAD v4.1: 2 of 1,539,372 alleles (0.00013%); highest among the groups gnomAD compares: Non-Finnish European, 0.00017%; no homozygotes.

Submission:

Labcorp Genetics (formerly Invitae), Labcorp
Classification: Uncertain significance. Last evaluated: 2024-09-09. Review status: criteria provided, single submitter. Criteria: Invitae Variant Classification Sherloc (09022015). Collection method: clinical testing. Allele origin: germline.
Comment: This sequence change replaces glutamine, which is neutral and polar, with lysine, which is basic and polar, at codon 1427 of the DCHS1 protein (p.Gln1427Lys). This variant is not present in population databases (gnomAD no frequency). This variant has not been reported in the literature in individuals affected with DCHS1-related conditions. Invitae Evidence Modeling of protein sequence and biophysical properties (such as structural, functional, and spatial information, amino acid conservation, physicochemical variation, residue mobility, and thermodynamic stability) indicates that this missense variant is not expected to disrupt DCHS1 protein function with a negative predictive value of 80%. In summary, the available evidence is currently insufficient to determine the role of this variant in disease. Therefore, it has been classified as a Variant of Uncertain Significance.

NM_003737.4(DCHS1):c.4279C>A (p.Gln1427Lys)

Gene: DCHS1 (dachsous cadherin-related 1; minus strand). Cytogenetic location: 11p15.4.
Variant type: single nucleotide variant.
Coding change: c.4279C>A on transcript NM_003737.4 (MANE Select); coding-DNA position 4279, C replaced by A.
Protein change: p.Gln1427Lys; replaces glutamine 1427 with lysine.
Molecular consequence: missense variant.
Genome position (GRCh38, 1-based): chr11:6,630,515, G>T on the plus strand (C>A on the coding strand, the complement: DCHS1 is on the minus strand). VCF-style: chr11-6630515-G-T. GRCh37 (hg19) VCF-style: chr11-6651746-G-T.
Other names: short protein forms Q1427K.
Identifiers: ClinVar variation 2864421 (VCV002864421.3), dbSNP rs1285749990, ClinGen allele CA379406386.